The following is an entry in ClinVar:

ClinVar aggregate classification (germline): Uncertain significance (1 of 4 stars; one submission).

Conditions:
Infantile neuroaxonal dystrophy (NBIA2A). Also called: NEURODEGENERATION WITH BRAIN IRON ACCUMULATION 2A; SEITELBERGER DISEASE; Infantile neuroaxonal dystrophy 1. Identifiers: Orphanet 35069, MedGen C0270724, MONDO:0024457, OMIM 256600.

Submission:

Labcorp Genetics (formerly Invitae), Labcorp
Classification: Uncertain significance for Infantile neuroaxonal dystrophy. Last evaluated: 2021-12-02. Review status: criteria provided, single submitter. Criteria: Invitae Variant Classification Sherloc (09022015). Collection method: clinical testing. Allele origin: germline.
Comment: This sequence change replaces serine, which is neutral and polar, with alanine, which is neutral and non-polar, at codon 698 of the PLA2G6 protein (p.Ser698Ala). This variant is not present in population databases (gnomAD no frequency). This variant has not been reported in the literature in individuals affected with PLA2G6-related conditions. Advanced modeling of protein sequence and biophysical properties (such as structural, functional, and spatial information, amino acid conservation, physicochemical variation, residue mobility, and thermodynamic stability) performed at Invitae indicates that this missense variant is not expected to disrupt PLA2G6 protein function. In summary, the available evidence is currently insufficient to determine the role of this variant in disease. Therefore, it has been classified as a Variant of Uncertain Significance.

NM_003560.4(PLA2G6):c.2092T>G (p.Ser698Ala)

Gene: PLA2G6 (phospholipase A2 group VI; minus strand). Cytogenetic location: 22q13.1.
Variant type: single nucleotide variant.
Coding change: c.2092T>G on transcript NM_003560.4 (MANE Select); coding-DNA position 2092, T replaced by G.
Protein change: p.Ser698Ala; replaces serine 698 with alanine.
Molecular consequence: missense variant.
Genome position (GRCh38, 1-based): chr22:38,113,597, A>C on the plus strand (T>G on the coding strand, the complement: PLA2G6 is on the minus strand). VCF-style: chr22-38113597-A-C. GRCh37 (hg19) VCF-style: chr22-38509604-A-C.
Other names: c.1930T>G, p.Ser644Ala (NM_001004426.3, NM_001199562.3, NM_001349865.2 and 1 more transcripts); c.2092T>G, p.Ser698Ala (NM_001349864.2); c.1558T>G, p.Ser520Ala (NM_001349867.2); c.1414T>G, p.Ser472Ala (NM_001349868.2); c.1396T>G, p.Ser466Ala (NM_001349869.2); short protein forms S466A, S644A, S472A, S698A, S520A.
Identifiers: ClinVar variation 1510482 (VCV001510482.8), dbSNP rs2145671820, ClinGen allele CA411523956.
Genomic context (GRCh38, chr22:38,113,597, plus strand): 5'-CCAGCTCCCAGGGGTTGCTGGGACGGAAGACATCCACACAGGTCACAGGCACTTGTGGGG[A>C]CCTCCCTGTCCCCAGGGAGACAACGATGGAGAGTTTCTTCACCTTGTTGGCCTGACCCTG-3'
Protein context (NP_003551.2, residues 688-708): SIVVSLGTGR[Ser698Ala]PQVPVTCVDV